The following is an entry in ClinVar:

NM_000271.5(NPC1):c.1731_1737del (p.Gln578fs)

Gene: NPC1 (NPC intracellular cholesterol transporter 1; minus strand). Cytogenetic location: 18q11.2.
Variant type: Deletion.
Coding change: c.1731_1737del on transcript NM_000271.5 (MANE Select); coding-DNA positions 1731 to 1737, 7 bases deleted (CCAGAGG; older notation c.1731_1737delCCAGAGG).
Protein change: p.Gln578fs; shifts the reading frame from glutamine 578.
Molecular consequence: frameshift variant.
Genome position (GRCh38, 1-based): chr18:23,548,026-23,548,032, CCTCTGG deleted on the plus strand (CCAGAGG on the coding strand, the reverse complement: NPC1 is on the minus strand). VCF-style (leftmost placement, unchanged base first): chr18-23548025-CCCTCTGG-C. GRCh37 (hg19) VCF-style: chr18-21127989-CCCTCTGG-C.
Other names: short protein forms Q578fs.
Identifiers: ClinVar variation 1725100 (VCV001725100.2), dbSNP rs2511250025, ClinGen allele CA2580095490.

ClinVar aggregate classification (germline): Likely pathogenic (1 of 4 stars; one submission).

Conditions:
Niemann-Pick disease, type C1. Also called: NEUROVISCERAL STORAGE DISEASE WITH VERTICAL SUPRANUCLEAR OPHTHALMOPLEGIA; NIEMANN-PICK DISEASE WITH CHOLESTEROL ESTERIFICATION BLOCK; NIEMANN-PICK DISEASE WITHOUT SPHINGOMYELINASE DEFICIENCY; NIEMANN-PICK DISEASE, CHRONIC NEURONOPATHIC FORM; NIEMANN-PICK DISEASE, VARIANT TYPE C1. Identifiers: Orphanet 646, MedGen C3179455, MONDO:0009757, OMIM 257220.

Submission:

Myriad Genetics, Inc.
Classification: Likely pathogenic for Niemann-Pick disease, type C1. Last evaluated: 2022-03-08. Review status: criteria provided, single submitter. Criteria: Myriad Women's Health Autosomal Recessive and X-Linked Classification Criteria (2021). Collection method: clinical testing. Allele origin: unknown.
Comment: NM_000271.4(NPC1):c.1731_1737del7(Q578Pfs*12) is expected to be pathogenic in the context of Niemann-Pick disease type C1. This variant is predicted to lead to an abnormal or absent protein product due to the creation of a premature termination codon in NPC1, a gene where loss-of-function variants are known to be pathogenic. Please note: this variant was assessed in the context of healthy population screening.